The following is an entry in ClinVar:

ClinVar aggregate classification (germline): Pathogenic/Likely pathogenic. Review status: criteria provided, multiple submitters, no conflicts (2 of 4 stars). 2 submissions from 2 submitters: Pathogenic (1); Likely pathogenic (1). Last evaluated 2021-07-06.

Conditions:
GATA2-related disorder. Also called: GATA2-Related Disorders; GATA2-related condition.
GATA2 deficiency with susceptibility to MDS/AML. Identifiers: MedGen CN300066, MONDO:0042982.
Deafness-lymphedema-leukemia syndrome. Also called: Lymphedema, primary, with myelodysplasia; Emberger syndrome. Identifiers: Orphanet 3226, MedGen C3279664, MONDO:0013540, OMIM 614038.

Submissions (2):

Molecular Pathology Research Laboratory, SA Pathology
Classification: Pathogenic for GATA2 deficiency with susceptibility to MDS/AML; Deafness-lymphedema-leukemia syndrome. Last evaluated: 2021-07-06. Review status: criteria provided, single submitter. Criteria: ACMG Guidelines, 2015. Collection method: curation. Allele origin: germline. Inheritance: Autosomal dominant inheritance. Affected: yes. Observed: 2 variant alleles.
Comment: PS2, PS4_Moderate, PM1, PM2, PM5, PP3

Blueprint Genetics
Classification: Likely pathogenic for GATA2-related disorders. Last evaluated: 2020-07-13. Review status: criteria provided, single submitter. Criteria: ACMG Guidelines, 2015. Collection method: clinical testing. Allele origin: germline. Affected: yes. Observed: 1 variant allele.

Literature cited by the submitters: PubMed 29724903 (cited by Molecular Pathology Research Laboratory, SA Pathology); PubMed 28440875 (cited by Molecular Pathology Research Laboratory, SA Pathology).

NM_032638.5(GATA2):c.1060A>C (p.Thr354Pro)

Gene: GATA2 (GATA binding protein 2; minus strand). Cytogenetic location: 3q21.3.
Variant type: single nucleotide variant.
Coding change: c.1060A>C on transcript NM_032638.5 (MANE Select); coding-DNA position 1060, A replaced by C.
Protein change: p.Thr354Pro; replaces threonine 354 with proline.
Molecular consequence: missense variant.
Genome position (GRCh38, 1-based): chr3:128,481,902, T>G on the plus strand (A>C on the coding strand, the complement: GATA2 is on the minus strand). VCF-style: chr3-128481902-T-G. GRCh37 (hg19) VCF-style: chr3-128200745-T-G.
Other names: c.1060A>C, p.Thr354Pro (NM_001145661.2); c.1018A>C, p.Thr340Pro (NM_001145662.1); short protein forms T340P, T354P.
Identifiers: ClinVar variation 1184241 (VCV001184241.2), dbSNP rs2107668727, ClinGen allele CA354413620.
Genomic context (GRCh38, chr3:128,481,902, plus strand): 5'-CACAGGCGTTGCAGACAGGGTCCCCGTTGGCGTTTCGGCGCCATAAGGTGGTGGTTGTCG[T>G]CTGACAATTTGCACAACAGGTGCCGGCTCTTCTGGCGGCCGACTGGGAGGGCAAGGCAGC-3'
Protein context (NP_116027.2, residues 344-364): RAGTCCANCQ[Thr354Pro]TTTTLWRRNA